The following is an entry in ClinVar:

NM_001378328.1(CELSR1):c.6739+8G>A

Genes: CELSR1 (cadherin EGF LAG seven-pass G-type receptor 1; minus strand), LOC126863169 (BRD4-independent group 4 enhancer GRCh37_chr22:46782038-46783237; plus strand). Cytogenetic location: 22q13.31.
Variant type: single nucleotide variant.
Coding change: c.6739+8G>A on transcript NM_001378328.1 (MANE Select); 8 bases into the intron after coding-DNA position 6739, G replaced by A.
Molecular consequence: intron variant.
Genome position (GRCh38, 1-based): chr22:46,386,394, C>T on the plus strand (G>A on the coding strand, the complement: CELSR1 is on the minus strand). VCF-style: chr22-46386394-C-T. GRCh37 (hg19) VCF-style: chr22-46782291-C-T.
Other names: c.6739+8G>A (NM_014246.4).
Identifiers: ClinVar variation 3250573 (VCV003250573.19), dbSNP rs140242369.
Genomic context (GRCh38, chr22:46,386,394, plus strand): 5'-GGGGCCTAGCTCTGGGGCACACCCCTGATGGTAGCAGGGTTCCACCCCCAACGCAGCCAG[C>T]GCCTTACTCATGTTGGCGGTGACGATGACGAAGGGCCGCAGGTACGTCCGCCGCACGTTG-3'

ClinVar aggregate classification (germline): Benign/Likely benign. Review status: criteria provided, multiple submitters, no conflicts (2 of 4 stars). 2 submissions from 2 submitters: Benign (1); Likely benign (1). Last evaluated 2024-11-20.

Allele frequency attached by ClinVar (database versions not stated): 1000 Genomes Project 30x 0.00078; 1000 Genomes Project 0.00080; TOPMed 0.00168; gnomAD exomes 0.00232; ESP Exome Variant Server 0.00239; ExAC 0.00441.
gnomAD v4.1: 3,472 of 1,547,860 alleles (0.22%); highest among the groups gnomAD compares: Non-Finnish European, 0.28%; 6 homozygotes.

Submissions (2):

Blueprint Genetics
Classification: Likely benign. Last evaluated: 2024-11-20. Review status: criteria provided, single submitter. Criteria: ACMG Guidelines, 2015. Collection method: clinical testing. Allele origin: germline.

CeGaT Center for Human Genetics Tuebingen
Classification: Benign. Last evaluated: 2024-06-01. Review status: criteria provided, single submitter. Criteria: CeGaT Center For Human Genetics Tuebingen Variant Classification Criteria Version 2. Collection method: clinical testing. Allele origin: germline. Affected: yes. Observed: 1 variant allele.
Comment: CELSR1: BP4, BS1, BS2